The following is an entry in ClinVar:

NM_004859.4(CLTC):c.42+5G>A

Gene: CLTC (clathrin heavy chain; plus strand). Cytogenetic location: 17q23.1.
Variant type: single nucleotide variant.
Coding change: c.42+5G>A on transcript NM_004859.4 (MANE Select); 5 bases into the intron after coding-DNA position 42, G replaced by A.
Molecular consequence: intron variant.
Genome position (GRCh38, 1-based): chr17:59,620,178, G>A. VCF-style: chr17-59620178-G-A. GRCh37 (hg19) VCF-style: chr17-57697539-G-A.
Other names: c.42+5G>A (NM_001288653.2).
Identifiers: ClinVar variation 4085431 (VCV004085431.8).

ClinVar aggregate classification (germline): Uncertain significance (1 of 4 stars; one submission).

Submission:

CeGaT Center for Human Genetics Tuebingen
Classification: Uncertain significance. Last evaluated: 2025-07-01. Review status: criteria provided, single submitter. Criteria: CeGaT Center For Human Genetics Tuebingen Variant Classification Criteria Version 2. Collection method: clinical testing. Allele origin: germline. Affected: yes. Observed: 1 variant allele.
Comment: CLTC: PM2, BP4